The following is an entry in ClinVar:

NM_000330.4(RS1):c.554C>A (p.Thr185Lys)

Genes: CDKL5 (cyclin dependent kinase like 5; plus strand), RS1 (retinoschisin 1; minus strand). Cytogenetic location: Xp22.13.
Variant type: single nucleotide variant.
Coding change: c.554C>A on transcript NM_000330.4 (MANE Select); coding-DNA position 554, C replaced by A.
Protein change: p.Thr185Lys; replaces threonine 185 with lysine.
Molecular consequence: missense variant. On other transcripts: intron variant (2).
Genome position (GRCh38, 1-based): chrX:18,642,125, G>T on the plus strand (C>A on the coding strand, the complement: RS1 is on the minus strand). VCF-style: chrX-18642125-G-T. GRCh37 (hg19) VCF-style: chrX-18660245-G-T.
Other names: c.2714-3882G>T (NM_003159.3, NM_001037343.2); short protein forms T185K.
Identifiers: ClinVar variation 1066909 (VCV001066909.9), dbSNP rs61753173, ClinGen allele CA412370500.
Genomic context (GRCh38, chrX:18,642,125, plus strand): 5'-CCCAGCGGGATGAGGCGGATGAAGCGGGAGATGATGGGGGGCCGCAGCAGGTTCTGAACC[G>T]TGGAGGTGCGGTCCGAGTTGCCATAGAAGACCTAGAGAGATAGAGGAAATCCTGTCACCA-3'
Protein context (NP_000321.1, residues 175-195): VFYGNSDRTS[Thr185Lys]VQNLLRPPII

ClinVar aggregate classification (germline): Likely pathogenic. Review status: criteria provided, multiple submitters, no conflicts (2 of 4 stars). 2 submissions from 2 submitters: Likely pathogenic (2). Last evaluated 2025-01-29.

Conditions:
Juvenile retinoschisis (RS1). Also called: X-linked retinoschisis; X-Linked Juvenile Retinoschisis. Identifiers: Orphanet 792, MedGen C3714753, MONDO:0010725, OMIM 312700.

Submissions (2):

Natera, Inc.
Classification: Likely pathogenic for X-linked retinoschisis. Last evaluated: 2025-01-29. Review status: criteria provided, single submitter. Criteria: Natera Variant Classification Schema (03/2026). Collection method: clinical testing. Allele origin: germline.
Comment: The c.554C>A variant in RS1 is a missense variant predicted to cause substitution of threonine to lysine at amino acid 185. This variant is rare in the general population with a frequency below the threshold expected for the associated phenotype(s). This variant has been observed in affected individual(s) with monoallelic occurrence (heterozygous/hemizygous) (PMID: 10234514). Computational prediction algorithms indicate this variant is likely to affect gene or protein function. Given the available evidence, this variant is classified as Likely Pathogenic.

Labcorp Genetics (formerly Invitae), Labcorp
Classification: Likely pathogenic. Last evaluated: 2020-08-05. Review status: criteria provided, single submitter. Criteria: Invitae Variant Classification Sherloc (09022015). Collection method: clinical testing. Allele origin: germline.
Comment: This sequence change replaces threonine with lysine at codon 185 of the RS1 protein (p.Thr185Lys). The threonine residue is highly conserved and there is a moderate physicochemical difference between threonine and lysine. This variant is not present in population databases (ExAC no frequency). In summary, the currently available evidence indicates that the variant is pathogenic, but additional data are needed to prove that conclusively. Therefore, this variant has been classified as Likely Pathogenic. Algorithms developed to predict the effect of sequence changes on RNA splicing suggest that this variant may create or strengthen a splice site, but this prediction has not been confirmed by published transcriptional studies. Advanced modeling of protein sequence and biophysical properties (such as structural, functional, and spatial information, amino acid conservation, physicochemical variation, residue mobility, and thermodynamic stability) performed at Invitae indicates that this missense variant is expected to disrupt RS1 protein function. This variant has been observed in individual(s) with retinoschisis (PMID: 10234514, 28348004).

Literature cited by the submitters: PubMed 10234514 (cited by Natera, Inc. and Labcorp Genetics (formerly Invitae), Labcorp); PubMed 28348004 (cited by Labcorp Genetics (formerly Invitae), Labcorp).